The following is an entry in ClinVar:

NM_001364171.2(ODAD1):c.550C>T (p.Arg184Trp)

Gene: ODAD1 (outer dynein arm docking complex subunit 1; minus strand). Cytogenetic location: 19q13.33.
Variant type: single nucleotide variant.
Coding change: c.550C>T on transcript NM_001364171.2 (MANE Select); coding-DNA position 550, C replaced by T.
Protein change: p.Arg184Trp; replaces arginine 184 with tryptophan.
Molecular consequence: missense variant.
Genome position (GRCh38, 1-based): chr19:48,311,600, G>A on the plus strand (C>T on the coding strand, the complement: ODAD1 is on the minus strand). VCF-style: chr19-48311600-G-A. GRCh37 (hg19) VCF-style: chr19-48814857-G-A.
Other names: c.439C>T, p.Arg147Trp (NM_144577.4); c.439C>T (NM_144577.3); short protein forms R147W, R184W.
Identifiers: ClinVar variation 1682889 (VCV001682889.9), dbSNP rs534421243, ClinGen allele CA309310916.

ClinVar aggregate classification (germline): Uncertain significance. Review status: criteria provided, multiple submitters, no conflicts (2 of 4 stars). 2 submissions from 2 submitters: Uncertain significance (2). Last evaluated 2025-03-23.

Conditions:
Primary ciliary dyskinesia. Also called: Ciliary dyskinesia. Identifiers: Orphanet 244, MedGen C0008780, MONDO:0016575, HP:0012265.

Allele frequency attached by ClinVar (database versions not stated): gnomAD 0.00001 and 0.00002; gnomAD exomes 0.00001 and 0.00002; TOPMed 0.00003; 1000 Genomes Project 0.00040; 1000 Genomes Project 30x 0.00047.

Submissions (2):

Ambry Genetics
Classification: Uncertain significance for Primary ciliary dyskinesia. Last evaluated: 2025-03-23. Review status: criteria provided, single submitter. Criteria: Ambry Variant Classification Scheme 2023. Collection method: clinical testing. Allele origin: germline.
Comment: The p.R147W variant (also known as c.439C>T), located in coding exon 4 of the CCDC114 gene, results from a C to T substitution at nucleotide position 439. The arginine at codon 147 is replaced by tryptophan, an amino acid with dissimilar properties. This amino acid position is conserved. In addition, the in silico prediction for this alteration is inconclusive. Based on the available evidence, the clinical significance of this variant remains unclear.

Labcorp Genetics (formerly Invitae), Labcorp
Classification: Uncertain significance for Primary ciliary dyskinesia. Last evaluated: 2022-07-14. Review status: criteria provided, single submitter. Criteria: Invitae Variant Classification Sherloc (09022015). Collection method: clinical testing. Allele origin: germline.
Comment: In summary, the available evidence is currently insufficient to determine the role of this variant in disease. Therefore, it has been classified as a Variant of Uncertain Significance. Algorithms developed to predict the effect of missense changes on protein structure and function are either unavailable or do not agree on the potential impact of this missense change (SIFT: "Deleterious"; PolyPhen-2: "Probably Damaging"; Align-GVGD: "Class C0"). ClinVar contains an entry for this variant (Variation ID: 1682889). This variant has not been reported in the literature in individuals affected with CCDC114-related conditions. This variant is present in population databases (rs534421243, gnomAD 0.01%). This sequence change replaces arginine, which is basic and polar, with tryptophan, which is neutral and slightly polar, at codon 147 of the CCDC114 protein (p.Arg147Trp).